The following is an entry in ClinVar:

ClinVar aggregate classification (germline): Uncertain significance. Review status: criteria provided, multiple submitters, no conflicts (2 of 4 stars). 4 submissions from 4 submitters: Uncertain significance (4). Last evaluated 2026-09-09.

Conditions:
Autosomal dominant nonsyndromic hearing loss 65. Also called: Deafness, autosomal dominant 65; TBC1D24-Related Autosomal Dominant Nonsyndromic Hearing Loss (DFNA). Identifiers: Orphanet 90635, MedGen C3892048, MONDO:0014470, OMIM 616044.
Developmental and epileptic encephalopathy, 1 (DEE1). Also called: INFANTILE SPASM SYNDROME, X-LINKED 1; X-linked infantile spasms; West's syndrome; Tonic spasms with clustering, arrest of psychomotor development and hypsarrhythmia on EEG; X-Linked Infantile Spasm Syndrome; OHTAHARA SYNDROME, X-LINKED. Identifiers: MedGen C3463992, MONDO:0010632, OMIM 308350. Disease mechanism: loss of function.
Inborn genetic diseases. Identifiers: MedGen C0950123, MeSH D030342.

Allele frequency attached by ClinVar (database versions not stated): gnomAD 0.00003; TOPMed 0.00010.

Submissions (4):

GeneDx
Classification: Uncertain significance. Last evaluated: 2026-09-09. Review status: criteria provided, single submitter. Criteria: GeneDx Variant Classification Process June 2021. Collection method: clinical testing. Allele origin: germline.
Comment: Not observed at significant frequency in large population cohorts (gnomAD); In silico analysis suggests that this missense variant does not alter protein structure/function; Has not been previously published as pathogenic or benign to our knowledge

Labcorp Genetics (formerly Invitae), Labcorp
Classification: Uncertain significance for Developmental and epileptic encephalopathy, 1; Autosomal dominant nonsyndromic hearing loss 65. Last evaluated: 2025-08-18. Review status: criteria provided, single submitter. Criteria: Invitae Variant Classification Sherloc (09022015). Collection method: clinical testing. Allele origin: germline.
Comment: This sequence change replaces aspartic acid, which is acidic and polar, with asparagine, which is neutral and polar, at codon 504 of the TBC1D24 protein (p.Asp504Asn). The frequency data for this variant in the population databases is considered unreliable, as metrics indicate poor data quality at this position in the gnomAD database. This variant has not been reported in the literature in individuals affected with TBC1D24-related conditions. ClinVar contains an entry for this variant (Variation ID: 373518). Invitae Evidence Modeling of protein sequence and biophysical properties (such as structural, functional, and spatial information, amino acid conservation, physicochemical variation, residue mobility, and thermodynamic stability) indicates that this missense variant is not expected to disrupt TBC1D24 protein function with a negative predictive value of 80%. In summary, the available evidence is currently insufficient to determine the role of this variant in disease. Therefore, it has been classified as a Variant of Uncertain Significance.

Ambry Genetics
Classification: Uncertain significance for Inborn genetic diseases. Last evaluated: 2025-03-22. Review status: criteria provided, single submitter. Criteria: Ambry Variant Classification Scheme 2023. Collection method: clinical testing. Allele origin: germline.

Blueprint Genetics
Classification: Uncertain significance. Last evaluated: 2024-07-11. Review status: criteria provided, single submitter. Criteria: ACMG Guidelines, 2015. Collection method: clinical testing. Allele origin: germline.

NM_001199107.2(TBC1D24):c.1510G>A (p.Asp504Asn)

Gene: TBC1D24 (TBC1 domain family member 24; plus strand). Cytogenetic location: 16p13.3.
Variant type: single nucleotide variant.
Coding change: c.1510G>A on transcript NM_001199107.2 (MANE Select); coding-DNA position 1510, G replaced by A.
Protein change: p.Asp504Asn; replaces aspartic acid 504 with asparagine.
Molecular consequence: missense variant.
Genome position (GRCh38, 1-based): chr16:2,500,475, G>A. VCF-style: chr16-2500475-G-A. GRCh37 (hg19) VCF-style: chr16-2550476-G-A.
Other names: c.1492G>A, p.Asp498Asn (NM_020705.3); short protein forms D504N, D498N.
Identifiers: ClinVar variation 373518 (VCV000373518.11), dbSNP rs767925237, ClinGen allele CA7844309.